The following is an entry in ClinVar:

NM_017831.4(RNF125):c.683A>G (p.His228Arg)

Gene: RNF125 (ring finger protein 125; plus strand). Cytogenetic location: 18q12.1.
Variant type: single nucleotide variant.
Coding change: c.683A>G on transcript NM_017831.4 (MANE Select); coding-DNA position 683, A replaced by G.
Protein change: p.His228Arg; replaces histidine 228 with arginine.
Molecular consequence: missense variant.
Genome position (GRCh38, 1-based): chr18:32,068,368, A>G. VCF-style: chr18-32068368-A-G. GRCh37 (hg19) VCF-style: chr18-29648331-A-G.
Other names: short protein forms H228R.
Identifiers: ClinVar variation 2112577 (VCV002112577.4), dbSNP rs2510932164, ClinGen allele CA402255396.

ClinVar aggregate classification (germline): Uncertain significance (1 of 4 stars; one submission).

Conditions:
Tenorio syndrome (TNORS). Also called: OVERGROWTH, MACROCEPHALY, AND INTELLECTUAL DISABILITY SYNDROME. Identifiers: MedGen C4015710, MONDO:0014553, OMIM 616260.

Submission:

Labcorp Genetics (formerly Invitae), Labcorp
Classification: Uncertain significance for Tenorio syndrome. Last evaluated: 2023-07-06. Review status: criteria provided, single submitter. Criteria: Invitae Variant Classification Sherloc (09022015). Collection method: clinical testing. Allele origin: germline.
Comment: This sequence change replaces histidine, which is basic and polar, with arginine, which is basic and polar, at codon 228 of the RNF125 protein (p.His228Arg). This variant is not present in population databases (gnomAD no frequency). This variant has not been reported in the literature in individuals affected with RNF125-related conditions. ClinVar contains an entry for this variant (Variation ID: 2112577). An algorithm developed to predict the effect of missense changes on protein structure and function (PolyPhen-2) suggests that this variant is likely to be tolerated. In summary, the available evidence is currently insufficient to determine the role of this variant in disease. Therefore, it has been classified as a Variant of Uncertain Significance.